The following is an entry in ClinVar:

ClinVar aggregate classification (germline): Uncertain significance (1 of 4 stars; one submission).

Conditions:
Cardiovascular phenotype. Identifiers: MedGen CN230736.

Allele frequency attached by ClinVar (database versions not stated): gnomAD exomes 0.00001.
gnomAD v4.1: 7 of 1,613,578 alleles (0.00043%); highest among the groups gnomAD compares: East Asian, 0.013%; no homozygotes.

Submission:

Ambry Genetics
Classification: Uncertain significance for Cardiovascular phenotype. Last evaluated: 2023-08-11. Review status: criteria provided, single submitter. Criteria: Ambry Variant Classification Scheme 2023. Collection method: clinical testing. Allele origin: germline.
Comment: The p.P517S variant (also known as c.1549C>T), located in coding exon 11 of the SCN10A gene, results from a C to T substitution at nucleotide position 1549. The proline at codon 517 is replaced by serine, an amino acid with similar properties. This amino acid position is conserved. In addition, this alteration is predicted to be tolerated by in silico analysis. Since supporting evidence is limited at this time, the clinical significance of this alteration remains unclear.

NM_006514.4(SCN10A):c.1549C>T (p.Pro517Ser)

Gene: SCN10A (sodium voltage-gated channel alpha subunit 10; minus strand). Cytogenetic location: 3p22.2.
Variant type: single nucleotide variant.
Coding change: c.1549C>T on transcript NM_006514.4 (MANE Select); coding-DNA position 1549, C replaced by T.
Protein change: p.Pro517Ser; replaces proline 517 with serine.
Molecular consequence: missense variant. On other transcripts: intron variant (1).
Genome position (GRCh38, 1-based): chr3:38,752,425, G>A on the plus strand (C>T on the coding strand, the complement: SCN10A is on the minus strand). VCF-style: chr3-38752425-G-A. GRCh37 (hg19) VCF-style: chr3-38793916-G-A.
Other names: c.1549C>T, p.Pro517Ser (NM_001293306.2); c.1462-2241C>T (NM_001293307.2); short protein forms P517S.
Identifiers: ClinVar variation 2625771 (VCV002625771.2), dbSNP rs2063758700, ClinGen allele CA352167586.
Genomic context (GRCh38, chr3:38,752,425, plus strand): 5'-GAGAGCCCCGATGGCTTTCGTGGTCTCCAGGAAAGACTCCATCATCTGTGACTCCCTCAG[G>A]GAGTGAGATATCTCGGCCAGGGGACCGGAAATGGAACACACTGCCATGACTAGCCCGGCG-3'
Protein context (NP_006505.4, residues 507-527): FRSPGRDISL[Pro517Ser]EGVTDDGVFP